The following is an entry in ClinVar:

NM_000512.5(GALNS):c.1365-277T>C

Genes: GALNS (galactosamine (N-acetyl)-6-sulfatase; minus strand), LOC126862447 (CDK7 strongly-dependent group 2 enhancer GRCh37_chr16:88884193-88885392; plus strand). Cytogenetic location: 16q24.3.
Variant type: single nucleotide variant.
Coding change: c.1365-277T>C on transcript NM_000512.5 (MANE Select); 277 bases into the intron before coding-DNA position 1365, T replaced by C.
Molecular consequence: intron variant.
Genome position (GRCh38, 1-based): chr16:88,818,401, A>G on the plus strand (T>C on the coding strand, the complement: GALNS is on the minus strand). VCF-style: chr16-88818401-A-G. GRCh37 (hg19) VCF-style: chr16-88884809-A-G.
Other names: c.810-277T>C (NM_001323543.2); c.1383-277T>C (NM_001323544.2).
Identifiers: ClinVar variation 684054 (VCV000684054.1), dbSNP rs3826073, ClinGen allele CA14351869.

ClinVar aggregate classification (germline): Benign (1 of 4 stars; one submission).

Allele frequency attached by ClinVar (database versions not stated): gnomAD 0.40982 and 0.41226; TOPMed 0.42506; 1000 Genomes Project 30x 0.47361; 1000 Genomes Project 0.47804.
gnomAD v4.1: 62,655 of 151,632 alleles (41%); highest among the groups gnomAD compares: East Asian, 63%; 13,277 homozygotes.

Submission:

GeneDx
Classification: Benign. Last evaluated: 2018-06-19. Review status: criteria provided, single submitter. Criteria: GeneDx Variant Classification (06012015). Collection method: clinical testing. Allele origin: germline. Affected: yes.
Comment: This variant is considered likely benign or benign based on one or more of the following criteria: it is a conservative change, it occurs at a poorly conserved position in the protein, it is predicted to be benign by multiple in silico algorithms, and/or has population frequency not consistent with disease.